The following is an entry in ClinVar:

ClinVar aggregate classification (germline): Uncertain significance. Review status: criteria provided, multiple submitters, no conflicts (2 of 4 stars). 3 submissions from 3 submitters: Uncertain significance (3). Last evaluated 2025-12-10.

Allele frequency attached by ClinVar (database versions not stated): gnomAD 0.00004; TOPMed 0.00004; ExAC 0.00005; ESP Exome Variant Server 0.00008.

Submissions (3):

Mayo Clinic Laboratories, Mayo Clinic
Classification: Uncertain significance. Last evaluated: 2025-12-10. Review status: criteria provided, single submitter. Criteria: ACMG Guidelines, 2015. Collection method: clinical testing. Allele origin: germline. Observed: 1 variant allele.
Comment: PP3, PM1

Labcorp Genetics (formerly Invitae), Labcorp
Classification: Uncertain significance. Last evaluated: 2025-06-03. Review status: criteria provided, single submitter. Criteria: Invitae Variant Classification Sherloc (09022015). Collection method: clinical testing. Allele origin: germline.
Comment: This sequence change replaces glycine, which is neutral and non-polar, with valine, which is neutral and non-polar, at codon 377 of the FGG protein (p.Gly377Val). This variant is present in population databases (rs369271819, gnomAD 0.009%). This variant has not been reported in the literature in individuals affected with FGG-related conditions. ClinVar contains an entry for this variant (Variation ID: 2573605). An algorithm developed to predict the effect of missense changes on protein structure and function (PolyPhen-2) suggests that this variant is likely to be disruptive. Algorithms developed to predict the effect of sequence changes on RNA splicing suggest that this variant may disrupt the consensus splice site. In summary, the available evidence is currently insufficient to determine the role of this variant in disease. Therefore, it has been classified as a Variant of Uncertain Significance.

Women's Health and Genetics/Laboratory Corporation of America, LabCorp
Classification: Uncertain significance. Last evaluated: 2023-06-22. Review status: criteria provided, single submitter. Criteria: LabCorp Variant Classification Summary - May 2015. Collection method: clinical testing. Allele origin: germline.
Comment: Variant summary: FGG c.1130G>T (p.Gly377Val) results in a non-conservative amino acid change located in the Fibrinogen, alpha/beta/gamma chain, C-terminal globular domain (IPR002181) of the encoded protein sequence. Five of five in-silico tools predict a damaging effect of the variant on protein function. The variant allele was found at a frequency of 4e-05 in 251240 control chromosomes. To our knowledge, no occurrence of c.1130G>T in individuals affected with Congenital Dysfibrinogenemia and no experimental evidence demonstrating its impact on protein function have been reported. No submitters have cited clinical-significance assessments for this variant to ClinVar after 2014. Based on the evidence outlined above, the variant was classified as uncertain significance.

NM_021870.3(FGG):c.1130G>T (p.Gly377Val)

Gene: FGG (fibrinogen gamma chain; minus strand). Cytogenetic location: 4q32.1.
Variant type: single nucleotide variant.
Coding change: c.1130G>T on transcript NM_021870.3 (MANE Select); coding-DNA position 1130, G replaced by T.
Protein change: p.Gly377Val; replaces glycine 377 with valine.
Molecular consequence: missense variant.
Genome position (GRCh38, 1-based): chr4:154,605,066, C>A on the plus strand (G>T on the coding strand, the complement: FGG is on the minus strand). VCF-style: chr4-154605066-C-A. GRCh37 (hg19) VCF-style: chr4-155526218-C-A.
Other names: p.Gly377Val; c.1130G>T (NM_000509.5); c.1130G>T, p.Gly377Val (NM_000509.6); short protein forms G377V.
Identifiers: ClinVar variation 2573605 (VCV002573605.3), dbSNP rs369271819, ClinGen allele CA3115481.